The following is an entry in ClinVar:

ClinVar aggregate classification (germline): Uncertain significance (1 of 4 stars; one submission).

Conditions:
Inborn genetic diseases. Identifiers: MedGen C0950123, MeSH D030342.

Submission:

Ambry Genetics
Classification: Uncertain significance for Inborn genetic diseases. Last evaluated: 2025-10-16. Review status: criteria provided, single submitter. Criteria: Ambry Variant Classification Scheme 2023. Collection method: clinical testing. Allele origin: germline.
Comment: The p.S1011P variant (also known as c.3031T>C), located in coding exon 13 of the BMPR2 gene, results from a T to C substitution at nucleotide position 3031. The serine at codon 1011 is replaced by proline, an amino acid with similar properties. This amino acid position is conserved. In addition, this alteration is predicted to be tolerated by in silico analysis. Based on the available evidence, the clinical significance of this variant remains unclear.

NM_001204.7(BMPR2):c.3031T>C (p.Ser1011Pro)

Gene: BMPR2 (bone morphogenetic protein receptor type 2; plus strand). Cytogenetic location: 2q33.2.
Variant type: single nucleotide variant.
Coding change: c.3031T>C on transcript NM_001204.7 (MANE Select); coding-DNA position 3031, T replaced by C.
Protein change: p.Ser1011Pro; replaces serine 1011 with proline.
Molecular consequence: missense variant.
Genome position (GRCh38, 1-based): chr2:202,559,860, T>C. VCF-style: chr2-202559860-T-C. GRCh37 (hg19) VCF-style: chr2-203424583-T-C.
Other names: short protein forms S1011P.
Identifiers: ClinVar variation 4597370 (VCV004597370.1).